The following is an entry in ClinVar:

NM_000629.3(IFNAR1):c.506del (p.Ile169fs)

Gene: IFNAR1 (interferon alpha and beta receptor subunit 1; plus strand). Cytogenetic location: 21q22.11.
Variant type: Deletion.
Coding change: c.506del on transcript NM_000629.3 (MANE Select); coding-DNA position 506, one base deleted (T; older notation c.506delT).
Protein change: p.Ile169fs; shifts the reading frame from isoleucine 169.
Molecular consequence: frameshift variant. On other transcripts: 5 prime UTR variant (1).
Genome position (GRCh38, 1-based): chr21:33,343,397, T deleted. VCF-style (leftmost placement, unchanged base first): chr21-33343396-AT-A. GRCh37 (hg19) VCF-style: chr21-34715702-AT-A.
Other names: c.506del, p.Ile169fs (NM_001384498.1, NM_001384499.1, NM_001384501.1 and 1 more transcripts); c.-281del (NM_001384500.1); c.44del, p.Ile15fs (NM_001384502.1); c.299del, p.Ile100fs (NM_001384504.1); short protein forms I15fs, I100fs, I169fs.
Identifiers: ClinVar variation 1404509 (VCV001404509.7), dbSNP rs770853192, ClinGen allele CA10006496.

ClinVar aggregate classification (germline): Pathogenic (1 of 4 stars; one submission).

Allele frequency attached by ClinVar (database versions not stated): gnomAD exomes 0.00003 and 0.00009; ExAC 0.00012; 1000 Genomes Project 30x 0.00016; gnomAD 0.00023 and 0.00024; TOPMed 0.00036; ESP Exome Variant Server 0.00040.

Submission:

Labcorp Genetics (formerly Invitae), Labcorp
Classification: Pathogenic. Last evaluated: 2025-10-17. Review status: criteria provided, single submitter. Criteria: Invitae Variant Classification Sherloc (09022015). Collection method: clinical testing. Allele origin: germline.
Comment: This sequence change creates a premature translational stop signal (p.Ile169Thrfs*8) in the IFNAR1 gene. It is expected to result in an absent or disrupted protein product. Loss-of-function variants in IFNAR1 are known to be pathogenic (PMID: 31270247, 32960813). This variant is present in population databases (rs770853192, gnomAD 0.09%). This variant has not been reported in the literature in individuals affected with IFNAR1-related conditions. ClinVar contains an entry for this variant (Variation ID: 1404509). For these reasons, this variant has been classified as Pathogenic.

Literature cited by the submitters: PubMed 31270247; PubMed 32960813.